The following is an entry in ClinVar:

NM_001267550.2(TTN):c.103109C>A (p.Ala34370Glu)

Genes: TTN (titin; minus strand), TTN-AS1 (TTN antisense RNA 1; plus strand). Cytogenetic location: 2q31.2.
Variant type: single nucleotide variant.
Coding change: c.103109C>A on transcript NM_001267550.2 (MANE Select); coding-DNA position 103109, C replaced by A.
Protein change: p.Ala34370Glu; replaces alanine 34370 with glutamic acid.
Molecular consequence: missense variant.
Genome position (GRCh38, 1-based): chr2:178,533,506, G>T on the plus strand (C>A on the coding strand, the complement: TTN is on the minus strand). VCF-style: chr2-178533506-G-T. GRCh37 (hg19) VCF-style: chr2-179398233-G-T.
Other names: c.98186C>A, p.Ala32729Glu (NM_001256850.1); c.75914C>A, p.Ala25305Glu (NM_003319.4); c.95405C>A, p.Ala31802Glu (NM_133378.4); c.76289C>A, p.Ala25430Glu (NM_133432.3); c.76490C>A, p.Ala25497Glu (NM_133437.4); short protein forms A25305E, A25430E, A25497E, A31802E, A32729E, A34370E.
Identifiers: ClinVar variation 1307948 (VCV001307948.4), dbSNP rs748511301, ClinGen allele CA1985658.

ClinVar aggregate classification (germline): Uncertain significance. Review status: criteria provided, multiple submitters, no conflicts (2 of 4 stars). 2 submissions from 2 submitters: Uncertain significance (2). Last evaluated 2020-02-14.

Conditions:
Cardiovascular phenotype. Identifiers: MedGen CN230736.

Allele frequency attached by ClinVar (database versions not stated): gnomAD exomes below 0.00001; ExAC 0.00001.
gnomAD v4.1: 1 of 1,613,502 alleles (0.000062%); highest among the groups gnomAD compares: East Asian, 0.0022%; no homozygotes.

Submissions (2):

Ambry Genetics
Classification: Uncertain significance for Cardiovascular phenotype. Last evaluated: 2020-02-14. Review status: criteria provided, single submitter. Criteria: Ambry Variant Classification Scheme 2023. Collection method: clinical testing. Allele origin: germline.
Comment: The p.A25305E variant (also known as c.75914C>A), located in coding exon 185 of the TTN gene, results from a C to A substitution at nucleotide position 75914. The alanine at codon 25305 is replaced by glutamic acid, an amino acid with dissimilar properties. This amino acid position is highly conserved in available vertebrate species. In addition, the in silico prediction for this alteration is inconclusive. Since supporting evidence is limited at this time, the clinical significance of this alteration remains unclear.

GeneDx
Classification: Uncertain significance. Last evaluated: 2019-08-12. Review status: criteria provided, single submitter. Criteria: GeneDx Variant Classification Process June 2021. Collection method: clinical testing. Allele origin: germline. Affected: yes.